The following is an entry in ClinVar:

NM_001042492.3(NF1):c.2038T>C (p.Cys680Arg)

Gene: NF1 (neurofibromin 1; plus strand). Cytogenetic location: 17q11.2.
Variant type: single nucleotide variant.
Coding change: c.2038T>C on transcript NM_001042492.3 (MANE Select); coding-DNA position 2038, T replaced by C.
Protein change: p.Cys680Arg; replaces cysteine 680 with arginine.
Molecular consequence: missense variant.
Genome position (GRCh38, 1-based): chr17:31,226,471, T>C. VCF-style: chr17-31226471-T-C. GRCh37 (hg19) VCF-style: chr17-29553489-T-C.
Other names: c.2038T>C, p.Cys680Arg (NM_000267.4); short protein forms C680R.
Identifiers: ClinVar variation 527468 (VCV000527468.8), dbSNP rs1555613775, ClinGen allele CA398982056.

ClinVar aggregate classification (germline): Uncertain significance. Review status: criteria provided, multiple submitters, no conflicts (2 of 4 stars). 2 submissions from 2 submitters: Uncertain significance (2). Last evaluated 2025-03-20.

Conditions:
Cardiovascular phenotype. Identifiers: MedGen CN230736.
Hereditary cancer-predisposing syndrome. Also called: Neoplastic Syndromes, Hereditary; Tumor predisposition; Hereditary neoplastic syndrome; Hereditary Cancer Syndrome. Identifiers: Orphanet 140162, MedGen C0027672, MeSH D009386, MONDO:0015356.
Neurofibromatosis, type 1 (NF1). Also called: VON RECKLINGHAUSEN DISEASE; NEUROFIBROMATOSIS, TYPE I, SOMATIC; Peripheral type neurofibromatosis; Neurofibromatosis, type I. Identifiers: Orphanet 636, MedGen C0027831, MONDO:0018975, OMIM 162200. Disease mechanism: loss of function.

Submissions (2):

Labcorp Genetics (formerly Invitae), Labcorp
Classification: Uncertain significance for Neurofibromatosis, type 1. Last evaluated: 2025-03-20. Review status: criteria provided, single submitter. Criteria: Invitae Variant Classification Sherloc (09022015). Collection method: clinical testing. Allele origin: germline.
Comment: This sequence change replaces cysteine, which is neutral and slightly polar, with arginine, which is basic and polar, at codon 680 of the NF1 protein (p.Cys680Arg). This variant is not present in population databases (gnomAD no frequency). This variant has not been reported in the literature in individuals affected with NF1-related conditions. ClinVar contains an entry for this variant (Variation ID: 527468). Invitae Evidence Modeling of protein sequence and biophysical properties (such as structural, functional, and spatial information, amino acid conservation, physicochemical variation, residue mobility, and thermodynamic stability) indicates that this missense variant is not expected to disrupt NF1 protein function with a negative predictive value of 95%. In summary, the available evidence is currently insufficient to determine the role of this variant in disease. Therefore, it has been classified as a Variant of Uncertain Significance.

Ambry Genetics
Classification: Uncertain significance for Cardiovascular phenotype; Hereditary cancer-predisposing syndrome. Last evaluated: 2023-12-29. Review status: criteria provided, single submitter. Criteria: Ambry Variant Classification Scheme 2023. Collection method: clinical testing. Allele origin: germline.
Comment: The p.C680R variant (also known as c.2038T>C), located in coding exon 18 of the NF1 gene, results from a T to C substitution at nucleotide position 2038. The cysteine at codon 680 is replaced by arginine, an amino acid with highly dissimilar properties. This amino acid position is well conserved in available vertebrate species. In addition, this alteration is predicted to be deleterious by in silico analysis. Since supporting evidence is limited at this time, the clinical significance of this alteration remains unclear.